The following is an entry in ClinVar:

NM_002474.3(MYH11):c.5759A>T (p.Glu1920Val)

Genes: NDE1 (nudE neurodevelopment protein 1; plus strand), MYH11 (myosin heavy chain 11; minus strand). Cytogenetic location: 16p13.11.
Variant type: single nucleotide variant.
Coding change: c.5759A>T on transcript NM_002474.3 (MANE Select); coding-DNA position 5759, A replaced by T.
Protein change: p.Glu1920Val; replaces glutamic acid 1920 with valine.
Molecular consequence: missense variant. On other transcripts: intron variant (2).
Genome position (GRCh38, 1-based): chr16:15,714,936, T>A on the plus strand (A>T on the coding strand, the complement: MYH11 is on the minus strand). VCF-style: chr16-15714936-T-A. GRCh37 (hg19) VCF-style: chr16-15808793-T-A.
Other names: c.5780A>T, p.Glu1927Val (NM_001040113.2, NM_001040114.2); c.5759A>T, p.Glu1920Val (NM_022844.3); c.948-9255T>A (NM_001143979.2, NM_017668.3); short protein forms E1920V, E1927V.
Identifiers: ClinVar variation 1316453 (VCV001316453.4), dbSNP rs1290642611, ClinGen allele CA394846316.

ClinVar aggregate classification (germline): Uncertain significance. Review status: criteria provided, multiple submitters, no conflicts (2 of 4 stars). 3 submissions from 3 submitters: Uncertain significance (3). Last evaluated 2025-12-02.

Conditions:
Aortic aneurysm, familial thoracic 4 (AAT4). Also called: AORTIC ANEURYSM/AORTIC DISSECTION AND PATENT DUCTUS ARTERIOSUS. Identifiers: MedGen C1851504, MONDO:0007568, OMIM 132900.
Familial thoracic aortic aneurysm and aortic dissection (TAAD). Also called: Thoracic aortic aneurysms and dissections. Identifiers: Orphanet 91387, MedGen C4707243, MONDO:0019625.

Allele frequency attached by ClinVar (database versions not stated): gnomAD exomes below 0.00001; TOPMed below 0.00001.
gnomAD v4.1: 1 of 1,614,026 alleles (0.000062%); highest among the groups gnomAD compares: East Asian, 0.0022%; no homozygotes.

Submissions (3):

Ambry Genetics
Classification: Uncertain significance for Familial thoracic aortic aneurysm and aortic dissection. Last evaluated: 2025-12-02. Review status: criteria provided, single submitter. Criteria: Ambry Variant Classification Scheme 2023. Collection method: clinical testing. Allele origin: germline.
Comment: The p.E1920V variant (also known as c.5759A>T), located in coding exon 39 of the MYH11 gene, results from an A to T substitution at nucleotide position 5759. The glutamic acid at codon 1920 is replaced by valine, an amino acid with dissimilar properties. This amino acid position is highly conserved in available vertebrate species. In addition, this alteration is predicted to be deleterious by in silico analysis. Based on the available evidence, the clinical significance of this variant remains unclear.

Labcorp Genetics (formerly Invitae), Labcorp
Classification: Uncertain significance for Aortic aneurysm, familial thoracic 4. Last evaluated: 2025-03-09. Review status: criteria provided, single submitter. Criteria: Invitae Variant Classification Sherloc (09022015). Collection method: clinical testing. Allele origin: germline.
Comment: This sequence change replaces glutamic acid, which is acidic and polar, with valine, which is neutral and non-polar, at codon 1927 of the MYH11 protein (p.Glu1927Val). This variant is present in population databases (no rsID available, gnomAD 0.006%). This missense change has been observed in individual(s) with MYH11-related conditions (PMID: 36517271; internal data). This variant is also known as p.Glu1920Val. ClinVar contains an entry for this variant (Variation ID: 1316453). Invitae Evidence Modeling of protein sequence and biophysical properties (such as structural, functional, and spatial information, amino acid conservation, physicochemical variation, residue mobility, and thermodynamic stability) indicates that this missense variant is not expected to disrupt MYH11 protein function with a negative predictive value of 95%. In summary, the available evidence is currently insufficient to determine the role of this variant in disease. Therefore, it has been classified as a Variant of Uncertain Significance.

GeneDx
Classification: Uncertain significance. Last evaluated: 2019-11-19. Review status: criteria provided, single submitter. Criteria: GeneDx Variant Classification Process June 2021. Collection method: clinical testing. Allele origin: germline. Affected: yes.
Comment: Has not been previously published as pathogenic or benign to our knowledge; Not observed at a significant frequency in large population cohorts (Lek et al., 2016); In silico analysis, which includes protein predictors and evolutionary conservation, supports a deleterious effect

Literature cited by the submitters: PubMed 36517271 (cited by Labcorp Genetics (formerly Invitae), Labcorp).